The following is an entry in ClinVar:

NM_005909.5(MAP1B):c.6994G>T (p.Ala2332Ser)

Gene: MAP1B (microtubule associated protein 1B; plus strand). Cytogenetic location: 5q13.2.
Variant type: single nucleotide variant.
Coding change: c.6994G>T on transcript NM_005909.5 (MANE Select); coding-DNA position 6994, G replaced by T.
Protein change: p.Ala2332Ser; replaces alanine 2332 with serine.
Molecular consequence: missense variant.
Genome position (GRCh38, 1-based): chr5:72,200,349, G>T. VCF-style: chr5-72200349-G-T. GRCh37 (hg19) VCF-style: chr5-71496176-G-T.
Other names: c.6994G>T (NM_005909.4); c.6616G>T, p.Ala2206Ser (NM_001324255.2); short protein forms A2332S, A2206S.
Identifiers: ClinVar variation 3870004 (VCV003870004.2).

ClinVar aggregate classification (germline): Conflicting classifications of pathogenicity. Review status: criteria provided, conflicting classifications (1 of 4 stars). 2 submissions from 2 submitters: Uncertain significance (1); Likely benign (1). Last evaluated 2025-10-02.

Conditions:
MAP1B-related disorder. Also called: MAP1B-related condition.
Inborn genetic diseases. Identifiers: MedGen C0950123, MeSH D030342.

gnomAD v4.1: 28 of 1,612,876 alleles (0.0017%); highest among the groups gnomAD compares: Admixed American, 0.027%; no homozygotes.

Submissions (2):

PreventionGenetics, part of Exact Sciences
Classification: Uncertain significance for MAP1B-related condition. Last evaluated: 2025-10-02. Review status: criteria provided, single submitter. Criteria: ACMG Guidelines, 2015. Collection method: clinical testing. Allele origin: germline.
Comment: The MAP1B c.6994G>T variant is predicted to result in the amino acid substitution p.Ala2332Ser. To our knowledge, this variant has not been reported in the literature. This variant is reported in 0.023% of alleles in individuals of Latino descent in gnomAD. Although we suspect that this variant may be benign, at this time, the clinical significance of this variant is uncertain due to the absence of conclusive functional and genetic evidence.

Ambry Genetics
Classification: Likely benign for Inborn genetic diseases. Last evaluated: 2025-01-20. Review status: criteria provided, single submitter. Criteria: Ambry Variant Classification Scheme 2023. Collection method: clinical testing. Allele origin: germline.